The following is an entry in ClinVar:

ClinVar aggregate classification (germline): Benign. Review status: criteria provided, multiple submitters, no conflicts (2 of 4 stars). 6 submissions from 6 submitters: Benign (5). 1 of the submissions does not count toward it. Last evaluated 2026-02-02.

Conditions:
Porencephaly-microcephaly-bilateral congenital cataract syndrome. Identifiers: Orphanet 306547, MedGen C3151000, MONDO:0013394, OMIM 613730.

Submissions (6):

Labcorp Genetics (formerly Invitae), Labcorp
Classification: Benign. Last evaluated: 2026-02-02. Review status: criteria provided, single submitter. Criteria: Invitae Variant Classification Sherloc (09022015). Collection method: clinical testing. Allele origin: germline.

Blueprint Genetics
Classification: Benign. Last evaluated: 2024-11-27. Review status: criteria provided, single submitter. Criteria: ACMG Guidelines, 2015. Collection method: clinical testing. Allele origin: germline.

Molecular Genetics, Royal Melbourne Hospital
Classification: Benign for Porencephaly-microcephaly-bilateral congenital cataract syndrome. Last evaluated: 2023-05-04. Review status: criteria provided, single submitter. Criteria: ACMG Guidelines, 2015. Collection method: clinical testing. Allele origin: germline. Affected: yes.
Comment: African/African American population allele frequency is 45.63% (rs3216140, 4,037/8,620 alleles, 930 homozygotes in gnomAD v2.1). Based on the classification scheme RMH Modified ACMG/AMP Guidelines v1.1.0, this variant is classified as BENIGN. Following criteria are met: BA1

GeneDx
Classification: Benign. Last evaluated: 2018-09-18. Review status: criteria provided, single submitter. Criteria: GeneDx Variant Classification Process June 2021. Collection method: clinical testing. Allele origin: germline. Affected: yes.

Clinical Genetics DNA and cytogenetics Diagnostics Lab, Erasmus MC, Erasmus Medical Center
Classification: Benign for Porencephaly-microcephaly-bilateral congenital cataract syndrome. Last evaluated: 2017-05-31. Review status: criteria provided, single submitter. Criteria: ACGS Guidelines, 2013. Collection method: clinical testing. Allele origin: germline. Affected: yes. Study: VKGL Data-share Consensus.

Diagnostic Laboratory, Department of Genetics, University Medical Center Groningen
Classification: Likely benign for Porencephaly-microcephaly-bilateral congenital cataract syndrome. Review status: no assertion criteria provided. Collection method: clinical testing. Allele origin: germline. Affected: yes. Study: VKGL Data-share Consensus. Not counted in ClinVar's aggregate classification.

NM_032801.5(JAM3):c.410-14_410-13insCT

Gene: JAM3 (junctional adhesion molecule 3; plus strand). Cytogenetic location: 11q25.
Variant type: Insertion.
Coding change: c.410-14_410-13insCT on transcript NM_032801.5 (MANE Select); 14 bases into the intron before coding-DNA position 410 through 13 bases into the intron before coding-DNA position 410, CT inserted.
Molecular consequence: intron variant.
Genome position: GRCh38 VCF-style: chr11-134144778-C-CCT. GRCh37 (hg19) VCF-style: chr11-134014673-C-CCT.
Other names: c.257-14_257-13insCT (NM_001205329.2).
Identifiers: ClinVar variation 518239 (VCV000518239.15), dbSNP rs3216140, ClinGen allele CA6370041.